The following is an entry in ClinVar:

ClinVar aggregate classification (germline): Uncertain significance (1 of 4 stars; one submission).

Conditions:
Cardiovascular phenotype. Identifiers: MedGen CN230736.

gnomAD v4.1: 1 of 1,614,110 alleles (0.000062%); highest among the groups gnomAD compares: Non-Finnish European, 0.000085%; no homozygotes.

Submission:

Ambry Genetics
Classification: Uncertain significance for Cardiovascular phenotype. Last evaluated: 2024-02-22. Review status: criteria provided, single submitter. Criteria: Ambry Variant Classification Scheme 2023. Collection method: clinical testing. Allele origin: germline.
Comment: The p.G1872V variant (also known as c.5615G>T), located in coding exon 34 of the FLNC gene, results from a G to T substitution at nucleotide position 5615. The glycine at codon 1872 is replaced by valine, an amino acid with dissimilar properties. This amino acid position is conserved. In addition, this alteration is predicted to be deleterious by in silico analysis. Based on the available evidence, the clinical significance of this alteration remains unclear.

NM_001458.5(FLNC):c.5615G>T (p.Gly1872Val)

Genes: FLNC (filamin C; plus strand), FLNC-AS1 (FLNC antisense RNA 1; minus strand). Cytogenetic location: 7q32.1.
Variant type: single nucleotide variant.
Coding change: c.5615G>T on transcript NM_001458.5 (MANE Select); coding-DNA position 5615, G replaced by T.
Protein change: p.Gly1872Val; replaces glycine 1872 with valine.
Molecular consequence: missense variant.
Genome position (GRCh38, 1-based): chr7:128,851,307, G>T. VCF-style: chr7-128851307-G-T. GRCh37 (hg19) VCF-style: chr7-128491361-G-T.
Other names: c.5516G>T, p.Gly1839Val (NM_001127487.2); short protein forms G1839V, G1872V.
Identifiers: ClinVar variation 3221739 (VCV003221739.1), dbSNP rs2536655785, ClinGen allele CA369207575.
Genomic context (GRCh38, chr7:128,851,307, plus strand): 5'-TCTATGTGGATGCCATCAACAGCCGCCATGTCAGTGCCTATGGGCCAGGCCTGAGCCATG[G>T]CATGGTCAACAAGCCAGCCACCTTCACTATTGTCACCAAAGATGCTGGAGAAGGTGAGGG-3'
Protein context (NP_001449.3, residues 1862-1882): VSAYGPGLSH[Gly1872Val]MVNKPATFTI